The following is an entry in ClinVar:

ClinVar aggregate classification (germline): Uncertain significance. Review status: criteria provided, multiple submitters, no conflicts (2 of 4 stars). 2 submissions from 2 submitters: Uncertain significance (2). Last evaluated 2025-03-04.

Conditions:
Familial adenomatous polyposis 1 (FAP1). Also called: POLYPOSIS, ADENOMATOUS INTESTINAL; FAMILIAL ADENOMATOUS POLYPOSIS 1, ATTENUATED. Identifiers: MedGen C2713442, MONDO:0021056, OMIM 175100. Disease mechanism: loss of function.

gnomAD v4.1: 1 of 1,614,110 alleles (0.000062%); no homozygotes.

Submissions (2):

Center for Genomic Medicine, Rigshospitalet, Copenhagen University Hospital
Classification: Uncertain significance. Last evaluated: 2025-03-04. Review status: criteria provided, single submitter. Criteria: ACMG Guidelines, 2015. Collection method: clinical testing. Allele origin: germline.

Labcorp Genetics (formerly Invitae), Labcorp
Classification: Uncertain significance for Familial adenomatous polyposis 1. Last evaluated: 2022-08-14. Review status: criteria provided, single submitter. Criteria: Invitae Variant Classification Sherloc (09022015). Collection method: clinical testing. Allele origin: germline.
Comment: Algorithms developed to predict the effect of missense changes on protein structure and function are either unavailable or do not agree on the potential impact of this missense change (SIFT: "Deleterious"; PolyPhen-2: "Benign"; Align-GVGD: "Class C0"). In summary, the available evidence is currently insufficient to determine the role of this variant in disease. Therefore, it has been classified as a Variant of Uncertain Significance. This sequence change replaces valine, which is neutral and non-polar, with glutamic acid, which is acidic and polar, at codon 2716 of the APC protein (p.Val2716Glu). This variant is not present in population databases (gnomAD no frequency). This variant has not been reported in the literature in individuals affected with APC-related conditions. ClinVar contains an entry for this variant (Variation ID: 1406750).

NM_000038.6(APC):c.8147T>A (p.Val2716Glu)

Gene: APC (APC regulator of Wnt signaling pathway; plus strand). Cytogenetic location: 5q22.2.
Variant type: single nucleotide variant.
Coding change: c.8147T>A on transcript NM_000038.6 (MANE Select); coding-DNA position 8147, T replaced by A.
Protein change: p.Val2716Glu; replaces valine 2716 with glutamic acid.
Molecular consequence: missense variant.
Genome position (GRCh38, 1-based): chr5:112,843,741, T>A. VCF-style: chr5-112843741-T-A. GRCh37 (hg19) VCF-style: chr5-112179438-T-A.
Other names: c.8147T>A, p.Val2716Glu (NM_001127510.3, NM_001354895.2); c.8093T>A, p.Val2698Glu (NM_001127511.3); c.8201T>A, p.Val2734Glu (NM_001354896.2); c.8177T>A, p.Val2726Glu (NM_001354897.2); c.8072T>A, p.Val2691Glu (NM_001354898.2); c.8063T>A, p.Val2688Glu (NM_001354899.2); c.8024T>A, p.Val2675Glu (NM_001354900.2); c.7970T>A, p.Val2657Glu (NM_001354901.2); and 5 more; short protein forms V2657E, V2688E, V2726E, V2556E, V2590E, V2433E, V2615E, V2691E.
Identifiers: ClinVar variation 1406750 (VCV001406750.9), dbSNP rs1766663996, ClinGen allele CA16039019.
Genomic context (GRCh38, chr5:112,843,741, plus strand): 5'-ATTCAAAAGATAATCAGGCAAAACAAAATGTGGGTAATGGCAGTGTTCCCATGCGTACCG[T>A]GGGTTTGGAAAATCGCCTGAACTCCTTTATTCAGGTGGATGCCCCTGACCAAAAAGGAAC-3'
Protein context (NP_000029.2, residues 2706-2726): VGNGSVPMRT[Val2716Glu]GLENRLNSFI